The following is an entry in ClinVar:

ClinVar aggregate classification (germline): Pathogenic (1 of 4 stars; one submission).

Conditions:
Nemaline myopathy. Also called: Myopathies, Nemaline. Identifiers: Orphanet 607, MedGen C0206157, MONDO:0018958.

gnomAD v4.1: 58 of 1,612,620 alleles (0.0036%); highest among the groups gnomAD compares: Non-Finnish European, 0.0044%; no homozygotes.

Submission:

Broad Center for Mendelian Genomics, Broad Institute of MIT and Harvard
Classification: Pathogenic for Nemaline myopathy. Last evaluated: 2025-03-18. Review status: criteria provided, single submitter. Criteria: ACMG Guidelines, 2015. Collection method: curation. Allele origin: germline. Inheritance: Autosomal recessive inheritance.
Comment: The c.3987+1G>T variant in NEB has not been previously reported in the literature in individuals with nemaline myopathy, but has been identified in 0.004% (52/1178690) of European (non-Finnish) chromosomes by the Genome Aggregation Database (gnomAD; dbSNP ID: rs780022652). Although this variant has been seen in the general population in a heterozygous state, its frequency is low enough to be consistent with a recessive carrier frequency. This variant is located in the 5' splice region. SpliceAI predictions indicate use of an out-of-frame cryptic splice site 17 bases from the intron-exon boundary, providing evidence that this variant may cause a frameshift and lead to a premature termination codon downstream. This alteration is then predicted to lead to a truncated or absent protein. However, this information is not predictive enough to determine pathogenicity. One additional pathogenic variant, predicted to induce the same splicing effect as this variant, has been reported in ClinVar as being associated with nemaline myopathy, supporting that the c.3987+1G>T variant may be pathogenic (Variation ID: 371210). In summary, this variant meets criteria to be classified as pathogenic for autosomal recessive nemaline myopathy. ACMG/AMP Criteria applied: PVS1, PM2_Supporting, PS1_supporting (Richards 2015).

NM_001164508.2(NEB):c.3987+1G>T

Gene: NEB (nebulin; minus strand). Cytogenetic location: 2q23.3.
Variant type: single nucleotide variant.
Coding change: c.3987+1G>T on transcript NM_001164508.2 (MANE Select); the canonical splice donor site of the intron after coding-DNA position 3987, G replaced by T.
Molecular consequence: splice donor variant.
Genome position (GRCh38, 1-based): chr2:151,674,476, C>A on the plus strand (G>T on the coding strand, the complement: NEB is on the minus strand). VCF-style: chr2-151674476-C-A. GRCh37 (hg19) VCF-style: chr2-152530990-C-A.
Other names: NM_001164508.2:c.3987+1G>T; c.3987+1G>T (NM_004543.5, NM_001164507.2, NM_001271208.2).
Identifiers: ClinVar variation 3776988 (VCV003776988.1).